The following is an entry in ClinVar:

ClinVar aggregate classification (germline): Uncertain significance. Review status: criteria provided, multiple submitters, no conflicts (2 of 4 stars). 2 submissions from 2 submitters: Uncertain significance (2). Last evaluated 2025-01-21.

Conditions:
Inborn genetic diseases. Identifiers: MedGen C0950123, MeSH D030342.

Submissions (2):

GeneDx
Classification: Uncertain significance. Last evaluated: 2025-01-21. Review status: criteria provided, single submitter. Criteria: GeneDx Variant Classification Process June 2021. Collection method: clinical testing. Allele origin: germline. Affected: yes.
Comment: Not observed at significant frequency in large population cohorts (gnomAD); In-frame deletion of 1 amino acid in a non-repeat region; In silico analysis supports a deleterious effect on protein structure/function; Has not been previously published as pathogenic or benign to our knowledge

Ambry Genetics
Classification: Uncertain significance for Inborn genetic diseases. Last evaluated: 2017-07-21. Review status: criteria provided, single submitter. Criteria: Ambry exome assertion method (8-5-2015). Collection method: clinical testing. Allele origin: germline. Affected: yes. Observed: 1 variant allele.

NM_006922.4(SCN3A):c.3480AGA[1] (p.Glu1161del)

Gene: SCN3A (sodium voltage-gated channel alpha subunit 3; minus strand). Cytogenetic location: 2q24.3.
Variant type: Microsatellite.
Coding change: c.3480AGA[1] on transcript NM_006922.4 (MANE Select); one copy of the 3-base unit AGA starting at c.3480; the reference has two copies in a row; one copy, 3 bases deleted; also written c.3483_3485del.
Protein change: p.Glu1161del; deletes glutamic acid 1161.
Molecular consequence: inframe deletion.
Genome position (GRCh38, 1-based): chr2:165,115,484-165,115,486, TCT deleted on the plus strand (AGA on the coding strand, the reverse complement: SCN3A is on the minus strand); deleting any 3 consecutive bases within chr2:165,115,484-165,115,491 gives the same sequence; the position shown is the placement nearest the transcript's 3' end. VCF-style (leftmost placement, unchanged base first): chr2-165115483-GTCT-G. GRCh37 (hg19) VCF-style: chr2-165971993-GTCT-G.
Other names: c.3333AGA[1], p.Glu1112del (NM_001081676.2, NM_001081677.2); c.3483_3485delAGA (NM_006922.3); c.3483_3485del (NM_006922.3); short protein forms E1161del, E1112del.
Identifiers: ClinVar variation 521899 (VCV000521899.5), dbSNP rs1553520243, ClinGen allele CA658795923.